The following is an entry in ClinVar:

NM_000088.4(COL1A1):c.3437_3441del (p.Ser1146fs)

Gene: COL1A1 (collagen type I alpha 1 chain; minus strand). Cytogenetic location: 17q21.33.
Variant type: Deletion.
Coding change: c.3437_3441del on transcript NM_000088.4 (MANE Select); coding-DNA positions 3437 to 3441, 5 bases deleted (CTGCT; older notation c.3437_3441delCTGCT).
Protein change: p.Ser1146fs; shifts the reading frame from serine 1146.
Molecular consequence: frameshift variant.
Genome position (GRCh38, 1-based): chr17:50,187,105-50,187,109, AGCAG deleted on the plus strand (CTGCT on the coding strand, the reverse complement: COL1A1 is on the minus strand); deleting any 5 consecutive bases within chr17:50,187,105-50,187,112 gives the same sequence; the c. name uses the placement nearest the transcript's 3' end. VCF-style (leftmost placement, unchanged base first): chr17-50187104-CAGCAG-C. GRCh37 (hg19) VCF-style: chr17-48264465-CAGCAG-C.
Other names: short protein forms S1146fs.
Identifiers: ClinVar variation 4733031 (VCV004733031.1).
Genomic context (GRCh38, chr17:50,187,104, plus strand): 5'-GAGGACCAGGGGGCCCAATGGGGCCAGGGAGACCGTTGAGTCCATCTTTGCCAGGAGCAC[CAGCAG>C]AGCCAGGGGGACCCTGGAGTGGGGGAAATGGTTTGAGAAAGGCTGCCAGAAGCCCGAACA-3'

ClinVar aggregate classification (germline): Pathogenic (1 of 4 stars; one submission).

Conditions:
Osteogenesis imperfecta type I (OI1). Also called: Osteogenesis imperfecta type 1; Lobstein's Disease; OI, TYPE I; OSTEOGENESIS IMPERFECTA TARDA; OSTEOGENESIS IMPERFECTA WITH BLUE SCLERAE; Lobstein disease. Identifiers: Orphanet 216796, Orphanet 666, MedGen C0023931, MONDO:0008146, OMIM 166200. Disease mechanism: loss of function.

Submission:

Labcorp Genetics (formerly Invitae), Labcorp
Classification: Pathogenic for Osteogenesis imperfecta type I. Last evaluated: 2025-12-11. Review status: criteria provided, single submitter. Criteria: Invitae Variant Classification Sherloc (09022015). Collection method: clinical testing. Allele origin: germline.
Comment: This sequence change creates a premature translational stop signal (p.Ser1146Trpfs*26) in the COL1A1 gene. It is expected to result in an absent or disrupted protein product. Loss-of-function variants in COL1A1 are known to be pathogenic (PMID: 7942841, 9295084, 9443882). This variant is not present in population databases (gnomAD no frequency). This variant has not been reported in the literature in individuals affected with COL1A1-related conditions. For these reasons, this variant has been classified as Pathogenic.

Literature cited by the submitters: PubMed 7942841; PubMed 9295084; PubMed 9443882.